The following is an entry in ClinVar:

ClinVar aggregate classification (germline): Conflicting classifications of pathogenicity. Review status: criteria provided, conflicting classifications (1 of 4 stars). 10 submissions from 10 submitters: Uncertain significance (2); Benign (3); Likely benign (4). 1 of the submissions does not count toward it. Last evaluated 2026-06-01.

Conditions:
Charcot-Marie-Tooth disease type 2. Also called: Charcot-Marie-Tooth type 2. Identifiers: Orphanet 64746, MedGen C0270914, MONDO:0018993.
AARS1-related disorder. Also called: AARS1-related condition.
Inborn genetic diseases. Identifiers: MedGen C0950123, MeSH D030342.
Charcot-Marie-Tooth disease. Also called: Charcot-Marie-Tooth Hereditary Neuropathy; Charcot-Marie-Tooth Neuropathy. Identifiers: Orphanet 166, MedGen C0007959, MONDO:0015626.
Charcot-Marie-Tooth disease axonal type 2N (CMT2N). Also called: Charcot-Marie-Tooth Neuropathy Type 2N; CHARCOT-MARIE-TOOTH DISEASE, AXONAL, AUTOSOMAL DOMINANT, TYPE 2N; CHARCOT-MARIE-TOOTH NEUROPATHY, AXONAL, TYPE 2N. Identifiers: Orphanet 228174, MedGen C2750090, MONDO:0013212, OMIM 613287.

Allele frequency attached by ClinVar (database versions not stated): 1000 Genomes Project 30x 0.00016; 1000 Genomes Project 0.00020; gnomAD exomes 0.00049 and 0.00068; gnomAD 0.00062 and 0.00065; TOPMed 0.00066; ExAC 0.00074; ESP Exome Variant Server 0.00077.
gnomAD v4.1: 830 of 1,614,142 alleles (0.051%); highest among the groups gnomAD compares: Middle Eastern, 0.2%; no homozygotes.

Submissions (13):

CeGaT Center for Human Genetics Tuebingen
Classification: Likely benign. Last evaluated: 2026-06-01. Review status: criteria provided, single submitter. Criteria: CeGaT Center For Human Genetics Tuebingen Variant Classification Criteria Version 2. Collection method: clinical testing. Allele origin: germline. Affected: yes. Observed: 14 variant alleles.
Comment: AARS1: BP4

Labcorp Genetics (formerly Invitae), Labcorp
Classification: Benign for Charcot-Marie-Tooth disease type 2. Last evaluated: 2026-01-26. Review status: criteria provided, single submitter. Criteria: Invitae Variant Classification Sherloc (09022015). Collection method: clinical testing. Allele origin: germline.

Blueprint Genetics
Classification: Likely benign. Last evaluated: 2024-11-19. Review status: criteria provided, single submitter. Criteria: ACMG Guidelines, 2015. Collection method: clinical testing. Allele origin: germline.

Ambry Genetics
Classification: Likely benign for Inborn genetic diseases. Last evaluated: 2019-07-11. Review status: criteria provided, single submitter. Criteria: Ambry Variant Classification Scheme 2023. Collection method: clinical testing. Allele origin: germline.

Baylor Genetics
Classification: Uncertain significance for Charcot-Marie-Tooth disease axonal type 2N. Last evaluated: 2019-02-21. Review status: criteria provided, single submitter. Criteria: ACMG Guidelines, 2015. Collection method: clinical testing. Allele origin: unknown. Affected: yes.
Comment: This variant was determined to be of uncertain significance according to ACMG Guidelines, 2015 [PMID:25741868].

Mayo Clinic Laboratories, Mayo Clinic
Classification: Benign. Last evaluated: 2018-06-06. Review status: criteria provided, single submitter. Criteria: ACMG Guidelines, 2015. Collection method: clinical testing. Allele origin: germline. Observed: 4 variant alleles.

Illumina Laboratory Services, Illumina
Classification: Likely benign for Charcot-Marie-Tooth disease axonal type 2N. Last evaluated: 2018-01-13. Review status: criteria provided, single submitter. Criteria: ICSL Variant Classification Criteria 13 December 2019. Collection method: clinical testing. Allele origin: germline.
Comment: This variant was observed in the ICSL laboratory as part of a predisposition screen in an ostensibly healthy population. It had not been previously curated by ICSL or reported in the Human Gene Mutation Database (HGMD: prior to June 1st, 2018), and was therefore a candidate for classification through an automated scoring system. Utilizing variant allele frequency, disease prevalence and penetrance estimates, and inheritance mode, an automated score was calculated to assess if this variant is too frequent to cause the disease. Based on the score and internal cut-off values, a variant classified as likely benign is not then subjected to further curation. The score for this variant resulted in a classification of likely benign for this disease.

GeneDx
Classification: Benign. Last evaluated: 2015-03-03. Review status: criteria provided, single submitter. Criteria: GeneDx Variant Classification Process June 2021. Collection method: clinical testing. Allele origin: germline. Affected: yes.

Molecular Genetics Laboratory, London Health Sciences Centre
Classification: Uncertain significance for Charcot-Marie-Tooth disease. Review status: criteria provided, single submitter. Criteria: ACMG Guidelines, 2015. Collection method: clinical testing. Allele origin: germline. Affected: yes.

PreventionGenetics, part of Exact Sciences
Classification: Likely benign for AARS1-related condition. Last evaluated: 2019-08-15. Review status: no assertion criteria provided. Collection method: clinical testing. Allele origin: germline. Not counted in ClinVar's aggregate classification.
Comment: This variant is classified as likely benign based on ACMG/AMP sequence variant interpretation guidelines (Richards et al. 2015 PMID: 25741868, with internal and published modifications).

Dr. Peter K. Rogan Lab, Western University
No classification provided (evidence only). Condition: Sarcoma. Review status: no classification provided. Collection method: in vitro. Allele origin: not applicable. Functional consequence: retained intron. Not counted in ClinVar's aggregate classification.

Dr. Peter K. Rogan Lab, Western University
No classification provided (evidence only). Condition: Ovarian serous cystadenocarcinoma. Review status: no classification provided. Collection method: in vitro. Allele origin: not applicable. Functional consequence: retained intron. Not counted in ClinVar's aggregate classification.

Dr. Peter K. Rogan Lab, Western University
No classification provided (evidence only). Condition: Malignant tumor of esophagus. Review status: no classification provided. Collection method: in vitro. Allele origin: not applicable. Functional consequence: retained intron. Not counted in ClinVar's aggregate classification.

NM_001605.3(AARS1):c.2580G>A (p.Leu860=)

Gene: AARS1 (alanyl-tRNA synthetase 1; minus strand). Cytogenetic location: 16q22.1.
Variant type: single nucleotide variant.
Coding change: c.2580G>A on transcript NM_001605.3 (MANE Select); coding-DNA position 2580, G replaced by A.
Protein change: p.Leu860=; no amino-acid change (leucine 860 retained).
Molecular consequence: synonymous variant.
Genome position (GRCh38, 1-based): chr16:70,253,741, C>T on the plus strand (G>A on the coding strand, the complement: AARS1 is on the minus strand). VCF-style: chr16-70253741-C-T. GRCh37 (hg19) VCF-style: chr16-70287644-C-T.
Other names: p.Leu860=.
Identifiers: ClinVar variation 320328 (VCV000320328.67), dbSNP rs145581652, ClinGen allele CA8140361.